The following is an entry in ClinVar:

NM_005033.3(EXOSC9):c.1058_1059del (p.Asp352_Ser353insTer)

Gene: EXOSC9 (exosome component 9; plus strand). Cytogenetic location: 4q27.
Variant type: Microsatellite.
Coding change: c.1058_1059del on transcript NM_005033.3 (MANE Select); coding-DNA positions 1058 to 1059, 2 bases deleted (CT; older notation c.1058_1059delCT).
Protein change: p.Asp352_Ser353insTer.
Molecular consequence: nonsense.
Genome position (GRCh38, 1-based): chr4:121,813,949-121,813,950, CT deleted; deleting any 2 consecutive bases within chr4:121,813,947-121,813,950 gives the same sequence; the c. name uses the placement nearest the transcript's 3' end. VCF-style (leftmost placement, unchanged base first): chr4-121813946-ACT-A. GRCh37 (hg19) VCF-style: chr4-122735101-ACT-A.
Other names: c.1058_1059del, p.Asp352_Ser353insTer (NM_001034194.2).
Identifiers: ClinVar variation 1388577 (VCV001388577.6), dbSNP rs750618265, ClinGen allele CA3063614.

ClinVar aggregate classification (germline): Pathogenic (1 of 4 stars; one submission).

Submission:

Labcorp Genetics (formerly Invitae), Labcorp
Classification: Pathogenic. Last evaluated: 2023-07-21. Review status: criteria provided, single submitter. Criteria: Invitae Variant Classification Sherloc (09022015). Collection method: clinical testing. Allele origin: germline.
Comment: For these reasons, this variant has been classified as Pathogenic. This variant has not been reported in the literature in individuals affected with EXOSC9-related conditions. This variant is present in population databases (rs750618265, gnomAD 0.01%). This sequence change creates a premature translational stop signal (p.Ser353*) in the EXOSC9 gene. It is expected to result in an absent or disrupted protein product. Loss-of-function variants in EXOSC9 are known to be pathogenic (PMID: 29727687, 33040083).

Literature cited by the submitters: PubMed 29727687; PubMed 33040083.